The following is an entry in ClinVar:

ClinVar aggregate classification (germline): Uncertain significance (1 of 4 stars; one submission).

Conditions:
Fanconi-Bickel syndrome (FBS). Also called: FANCONI SYNDROME WITH INTESTINAL MALABSORPTION AND GALACTOSE INTOLERANCE; HEPATIC GLYCOGENOSIS WITH AMINO ACIDURIA AND GLUCOSURIA; HEPATIC GLYCOGENOSIS WITH FANCONI NEPHROPATHY; HEPATORENAL GLYCOGENOSIS WITH RENAL FANCONI SYNDROME; PSEUDO-PHLORIZIN DIABETES; Glycogen storage disease due to GLUT2 deficiency. Identifiers: Orphanet 2088, MedGen C3495427, MONDO:0009216, OMIM 227810.

Allele frequency attached by ClinVar (database versions not stated): gnomAD 0.00001; ExAC 0.00002; TOPMed 0.00002; gnomAD exomes 0.00004; ESP Exome Variant Server 0.00008.

Submission:

Labcorp Genetics (formerly Invitae), Labcorp
Classification: Uncertain significance for Fanconi-Bickel syndrome. Last evaluated: 2025-06-22. Review status: criteria provided, single submitter. Criteria: Invitae Variant Classification Sherloc (09022015). Collection method: clinical testing. Allele origin: germline.
Comment: This sequence change replaces alanine, which is neutral and non-polar, with threonine, which is neutral and polar, at codon 33 of the SLC2A2 protein (p.Ala33Thr). This variant is present in population databases (rs143528640, gnomAD 0.003%). This variant has not been reported in the literature in individuals affected with SLC2A2-related conditions. ClinVar contains an entry for this variant (Variation ID: 2078372). Invitae Evidence Modeling of protein sequence and biophysical properties (such as structural, functional, and spatial information, amino acid conservation, physicochemical variation, residue mobility, and thermodynamic stability) has been performed for this missense variant. However, the output from this modeling did not meet the statistical confidence thresholds required to predict the impact of this variant on SLC2A2 protein function. In summary, the available evidence is currently insufficient to determine the role of this variant in disease. Therefore, it has been classified as a Variant of Uncertain Significance.

NM_000340.2(SLC2A2):c.97G>A (p.Ala33Thr)

Gene: SLC2A2 (solute carrier family 2 member 2; minus strand). Cytogenetic location: 3q26.2.
Variant type: single nucleotide variant.
Coding change: c.97G>A on transcript NM_000340.2 (MANE Select); coding-DNA position 97, G replaced by A.
Protein change: p.Ala33Thr; replaces alanine 33 with threonine.
Molecular consequence: missense variant. On other transcripts: initiator codon variant (1), 5 prime UTR variant (1).
Genome position (GRCh38, 1-based): chr3:171,018,542, C>T on the plus strand (G>A on the coding strand, the complement: SLC2A2 is on the minus strand). VCF-style: chr3-171018542-C-T. GRCh37 (hg19) VCF-style: chr3-170736331-C-T.
Other names: c.3G>A, p.Met1Ile (NM_001278658.2); c.-298G>A (NM_001278659.2); short protein forms M1I, A33T.
Identifiers: ClinVar variation 2078372 (VCV002078372.3), dbSNP rs143528640, ClinGen allele CA2702770.
Genomic context (GRCh38, chr3:171,018,542, plus strand): 5'-ATCACTGACAGAACTTGCCAAAAAGAGAACTTCTACATATTTCACTTGCCTGTTGAGGTG[C>T]ATTGATCACACCAATGTCATATCCAAACTGGAAGGAACCCAGCACAGCAGTGATGACAGT-3'
Protein context (NP_000331.1, residues 23-43): QFGYDIGVIN[Ala33Thr]PQQVIISHYR